The following is an entry in ClinVar:

ClinVar aggregate classification (germline): Likely benign. Review status: criteria provided, multiple submitters, no conflicts (2 of 4 stars). 4 submissions from 4 submitters: Likely benign (4). Last evaluated 2026-02-27.

Conditions:
Cardiovascular phenotype. Identifiers: MedGen CN230736.
Cardiomyopathy (CMYO). Also called: Cardiomyopathies. Identifiers: Orphanet 167848, MedGen C0878544, MONDO:0004994, HP:0001638. Inheritance: Various modes of inheritance.

Allele frequency attached by ClinVar (database versions not stated): TOPMed below 0.00001; gnomAD 0.00001; gnomAD exomes 0.00001.
gnomAD v4.1: 4 of 1,613,818 alleles (0.00025%); highest among the groups gnomAD compares: East Asian, 0.0022%; no homozygotes.

Submissions (4):

Ambry Genetics
Classification: Likely benign for Cardiovascular phenotype. Last evaluated: 2026-02-27. Review status: criteria provided, single submitter. Criteria: Ambry Variant Classification Scheme 2023. Collection method: clinical testing. Allele origin: germline.

Color Diagnostics, LLC DBA Color Health
Classification: Likely benign for Cardiomyopathy. Last evaluated: 2025-09-01. Review status: criteria provided, single submitter. Criteria: ACMG Guidelines, 2015. Collection method: clinical testing. Allele origin: germline.

Laboratory of Genetics, Children's Clinical University Hospital Latvia
Classification: Likely benign. Last evaluated: 2025-02-16. Review status: criteria provided, single submitter. Criteria: ACMG Guidelines, 2015. Collection method: clinical testing. Allele origin: germline. Affected: yes.

CeGaT Center for Human Genetics Tuebingen
Classification: Likely benign. Last evaluated: 2023-03-01. Review status: criteria provided, single submitter. Criteria: CeGaT Center For Human Genetics Tuebingen Variant Classification Criteria Version 2. Collection method: clinical testing. Allele origin: germline. Affected: yes. Observed: 1 variant allele.
Comment: DSP: BP4, BP7

NM_004415.4(DSP):c.1410A>G (p.Lys470=)

Gene: DSP (desmoplakin; plus strand). Cytogenetic location: 6p24.3.
Variant type: single nucleotide variant.
Coding change: c.1410A>G on transcript NM_004415.4 (MANE Select); coding-DNA position 1410, A replaced by G.
Protein change: p.Lys470=; no amino-acid change (lysine 470 retained).
Molecular consequence: synonymous variant.
Genome position (GRCh38, 1-based): chr6:7,568,580, A>G. VCF-style: chr6-7568580-A-G. GRCh37 (hg19) VCF-style: chr6-7568813-A-G.
Other names: c.1410A>G, p.Lys470= (NM_001008844.3, NM_001319034.2); c.1410A>G (LRG_423t1).
Identifiers: ClinVar variation 520248 (VCV000520248.33), dbSNP rs1554106858, ClinGen allele CA448522216.